The following is an entry in ClinVar:

ClinVar aggregate classification (germline): Uncertain significance (1 of 4 stars; one submission).

Conditions:
Common variable immunodeficiency (CVID). Also called: Common variable hypogamma-globulinemia; Common variable agammaglobulinemia. Identifiers: Orphanet 1572, MedGen C0009447, MONDO:0015517.

Allele frequency attached by ClinVar (database versions not stated): gnomAD exomes below 0.00001.
gnomAD v4.1: 2 of 1,552,096 alleles (0.00013%); highest among the groups gnomAD compares: Middle Eastern, 0.017%; no homozygotes.

Submission:

Labcorp Genetics (formerly Invitae), Labcorp
Classification: Uncertain significance for Common variable immunodeficiency. Last evaluated: 2024-02-16. Review status: criteria provided, single submitter. Criteria: Invitae Variant Classification Sherloc (09022015). Collection method: clinical testing. Allele origin: germline.
Comment: This sequence change replaces aspartic acid, which is acidic and polar, with glutamic acid, which is acidic and polar, at codon 67 of the TNFSF12 protein (p.Asp67Glu). This variant is not present in population databases (gnomAD no frequency). This variant has not been reported in the literature in individuals affected with TNFSF12-related conditions. Algorithms developed to predict the effect of missense changes on protein structure and function output the following: SIFT: "Not Available"; PolyPhen-2: "Benign"; Align-GVGD: "Not Available". The glutamic acid amino acid residue is found in multiple mammalian species, which suggests that this missense change does not adversely affect protein function. In summary, the available evidence is currently insufficient to determine the role of this variant in disease. Therefore, it has been classified as a Variant of Uncertain Significance.

NM_003809.3(TNFSF12):c.201C>A (p.Asp67Glu)

Genes: TNFSF12 (TNF superfamily member 12; plus strand), TNFSF12-TNFSF13 (TNFSF12-TNFSF13 readthrough; plus strand). Cytogenetic location: 17p13.1.
Variant type: single nucleotide variant.
Coding change: c.201C>A on transcript NM_003809.3 (MANE Select); coding-DNA position 201, C replaced by A.
Protein change: p.Asp67Glu; replaces aspartic acid 67 with glutamic acid.
Molecular consequence: missense variant. On other transcripts: non-coding transcript variant (1).
Genome position (GRCh38, 1-based): chr17:7,549,515, C>A. VCF-style: chr17-7549515-C-A. GRCh37 (hg19) VCF-style: chr17-7452832-C-A.
Other names: c.201C>A, p.Asp67Glu (NM_172089.4); short protein forms D67E.
Identifiers: ClinVar variation 2886819 (VCV002886819.3), dbSNP rs1437809803, ClinGen allele CA397855391.
Genomic context (GRCh38, chr17:7,549,515, plus strand): 5'-GCTCCCTCCTTCCCAGCAGGAGCCTGCCCAGGAGGAGCTGGTGGCAGAGGAGGACCAGGA[C>A]CCGTCGGTGAGTGGGCGTGGGCGCGGTCTGCAGGCTGCTGGGGCATGGGAAGTGTGCACA-3'
Protein context (NP_003800.1, residues 57-77): QEELVAEEDQ[Asp67Glu]PSELNPQTEE